The following is an entry in ClinVar:

NM_000528.4(MAN2B1):c.2555C>T (p.Ala852Val)

Gene: MAN2B1 (mannosidase alpha class 2B member 1; minus strand). Cytogenetic location: 19p13.13.
Variant type: single nucleotide variant.
Coding change: c.2555C>T on transcript NM_000528.4 (MANE Select); coding-DNA position 2555, C replaced by T.
Protein change: p.Ala852Val; replaces alanine 852 with valine.
Molecular consequence: missense variant.
Genome position (GRCh38, 1-based): chr19:12,648,284, G>A on the plus strand (C>T on the coding strand, the complement: MAN2B1 is on the minus strand). VCF-style: chr19-12648284-G-A. GRCh37 (hg19) VCF-style: chr19-12759098-G-A.
Other names: c.2552C>T, p.Ala851Val (NM_001173498.2); short protein forms A851V, A852V.
Identifiers: ClinVar variation 1911017 (VCV001911017.2), dbSNP rs2512486626, ClinGen allele CA404239912.

ClinVar aggregate classification (germline): Uncertain significance (1 of 4 stars; one submission).

Conditions:
Deficiency of alpha-mannosidase (MANSA). Also called: Mannosidosis, alpha-, types I and II; Alpha-Mannosidosis; LYSOSOMAL ALPHA-D-MANNOSIDASE DEFICIENCY. Identifiers: Orphanet 61, MedGen C0024748, MONDO:0009561, OMIM 248500.

Allele frequency attached by ClinVar (database versions not stated): gnomAD exomes 0.00001.
gnomAD v4.1: 9 of 1,610,986 alleles (0.00056%); highest among the groups gnomAD compares: Non-Finnish European, 0.00076%; no homozygotes.

Submission:

Labcorp Genetics (formerly Invitae), Labcorp
Classification: Uncertain significance for Deficiency of alpha-mannosidase. Last evaluated: 2022-02-23. Review status: criteria provided, single submitter. Criteria: Invitae Variant Classification Sherloc (09022015). Collection method: clinical testing. Allele origin: germline.
Comment: This sequence change replaces alanine, which is neutral and non-polar, with valine, which is neutral and non-polar, at codon 852 of the MAN2B1 protein (p.Ala852Val). This variant is not present in population databases (gnomAD no frequency). This variant has not been reported in the literature in individuals affected with MAN2B1-related conditions. Algorithms developed to predict the effect of missense changes on protein structure and function are either unavailable or do not agree on the potential impact of this missense change (SIFT: "Deleterious"; PolyPhen-2: "Benign"; Align-GVGD: "Class C0"). In summary, the available evidence is currently insufficient to determine the role of this variant in disease. Therefore, it has been classified as a Variant of Uncertain Significance.